The following is an entry in ClinVar:

ClinVar aggregate classification (germline): Uncertain significance. Review status: criteria provided, single submitter (1 of 4 stars). 2 submissions from 2 submitters: Uncertain significance (1). 1 of the submissions does not count toward it. Last evaluated 2024-05-14.

Conditions:
Inborn genetic diseases. Identifiers: MedGen C0950123, MeSH D030342.
ADCY3-related disorder. Also called: ADCY3-related condition.

gnomAD v4.1: 26 of 1,613,816 alleles (0.0016%); highest among the groups gnomAD compares: Non-Finnish European, 0.0021%; no homozygotes.

Submissions (2):

Ambry Genetics
Classification: Uncertain significance for Inborn genetic diseases. Last evaluated: 2024-05-14. Review status: criteria provided, single submitter. Criteria: Ambry Variant Classification Scheme 2023. Collection method: clinical testing. Allele origin: germline.

PreventionGenetics, part of Exact Sciences
Classification: Uncertain significance for ADCY3-related condition. Last evaluated: 2024-08-07. Review status: no assertion criteria provided. Collection method: clinical testing. Allele origin: germline. Not counted in ClinVar's aggregate classification.
Comment: The ADCY3 c.1715T>C variant is predicted to result in the amino acid substitution p.Leu572Pro. To our knowledge, this variant has not been reported in the literature. This variant is reported in 0.0023% of alleles in individuals of European (Non-Finnish) descent in gnomAD. At this time, the clinical significance of this variant is uncertain due to the absence of conclusive functional and genetic evidence.

NM_004036.5(ADCY3):c.1715T>C (p.Leu572Pro)

Gene: ADCY3 (adenylate cyclase 3; minus strand). Cytogenetic location: 2p23.3.
Variant type: single nucleotide variant.
Coding change: c.1715T>C on transcript NM_004036.5 (MANE Select); coding-DNA position 1715, T replaced by C.
Protein change: p.Leu572Pro; replaces leucine 572 with proline.
Molecular consequence: missense variant.
Genome position (GRCh38, 1-based): chr2:24,834,884, A>G on the plus strand (T>C on the coding strand, the complement: ADCY3 is on the minus strand). VCF-style: chr2-24834884-A-G. GRCh37 (hg19) VCF-style: chr2-25057753-A-G.
Other names: c.1715T>C, p.Leu572Pro (NM_001320613.2, NM_001377129.1, NM_001377130.1 and 1 more transcripts); c.1781T>C, p.Leu594Pro (NM_001377128.1); c.992T>C, p.Leu331Pro (NM_001377131.1); c.1715T>C (NM_001320613.1); short protein forms L331P, L572P, L594P.
Identifiers: ClinVar variation 3269345 (VCV003269345.2).